The following is an entry in ClinVar:

ClinVar aggregate classification (germline): Likely benign (0 of 4 stars; one submission).

Conditions:
FASTKD2-related disorder. Also called: FASTKD2-related condition.

Allele frequency attached by ClinVar (database versions not stated): ExAC 0.00001; gnomAD exomes 0.00003.

Submission:

PreventionGenetics, part of Exact Sciences
Classification: Likely benign for FASTKD2-related condition. Last evaluated: 2019-08-06. Review status: no assertion criteria provided. Collection method: clinical testing. Allele origin: germline.
Comment: This variant is classified as likely benign based on ACMG/AMP sequence variant interpretation guidelines (Richards et al. 2015 PMID: 25741868, with internal and published modifications).

NM_001136193.2(FASTKD2):c.777+7dup

Gene: FASTKD2 (FAST kinase domains 2; plus strand). Cytogenetic location: 2q33.3.
Variant type: Duplication.
Coding change: c.777+7dup on transcript NM_001136193.2 (MANE Select); 7 bases into the intron after coding-DNA position 777, one base duplicated (T; older notation c.777+7dupT).
Molecular consequence: intron variant.
Genome position (GRCh38, 1-based): chr2:206,767,477, T duplicated. VCF-style (leftmost placement, unchanged base first): chr2-206767476-A-AT. GRCh37 (hg19) VCF-style: chr2-207632200-A-AT.
Other names: c.777+7dup (NM_001136194.2, NM_014929.4).
Identifiers: ClinVar variation 3035413 (VCV003035413.2), dbSNP rs776313947, ClinGen allele CA2074946.